The following is an entry in ClinVar:

NM_004820.5(CYP7B1):c.1233+1G>A

Gene: CYP7B1 (cytochrome P450 family 7 subfamily B member 1; minus strand). Cytogenetic location: 8q12.3.
Variant type: single nucleotide variant.
Coding change: c.1233+1G>A on transcript NM_004820.5 (MANE Select); the canonical splice donor site of the intron after coding-DNA position 1233, G replaced by A.
Molecular consequence: splice donor variant.
Genome position (GRCh38, 1-based): chr8:64,604,681, C>T on the plus strand (G>A on the coding strand, the complement: CYP7B1 is on the minus strand). VCF-style: chr8-64604681-C-T. GRCh37 (hg19) VCF-style: chr8-65517238-C-T.
Other names: c.1233+1G>A (NM_001324112.2).
Identifiers: ClinVar variation 2983280 (VCV002983280.4), dbSNP rs747514399, ClinGen allele CA4764027.

ClinVar aggregate classification (germline): Pathogenic/Likely pathogenic. Review status: criteria provided, multiple submitters, no conflicts (2 of 4 stars). 2 submissions from 2 submitters: Pathogenic (1); Likely pathogenic (1). Last evaluated 2024-04-22.

Conditions:
Spastic paraplegia. Identifiers: MedGen C0037772, HP:0001258.
Congenital bile acid synthesis defect 3. Identifiers: Orphanet 79302, MedGen C3151147, MONDO:0013439, OMIM 613812.
Hereditary spastic paraplegia 5A (SPG5A). Also called: SPASTIC PARAPLEGIA 5A, AUTOSOMAL RECESSIVE. Identifiers: Orphanet 100986, MedGen C1849115, MONDO:0010047, OMIM 270800.

Allele frequency attached by ClinVar (database versions not stated): ExAC 0.00001; gnomAD 0.00001; TOPMed 0.00001.
gnomAD v4.1: 4 of 1,613,912 alleles (0.00025%); highest among the groups gnomAD compares: African/African-American, 0.004%; no homozygotes.

Submissions (2):

Fulgent Genetics
Classification: Likely pathogenic for Hereditary spastic paraplegia 5A; Congenital bile acid synthesis defect 3. Last evaluated: 2024-04-22. Review status: criteria provided, single submitter. Criteria: ACMG Guidelines, 2015. Collection method: clinical testing. Allele origin: germline.

Labcorp Genetics (formerly Invitae), Labcorp
Classification: Pathogenic for Spastic paraplegia. Last evaluated: 2024-02-09. Review status: criteria provided, single submitter. Criteria: Invitae Variant Classification Sherloc (09022015). Collection method: clinical testing. Allele origin: germline.
Comment: This sequence change affects a donor splice site in intron 5 of the CYP7B1 gene. While this variant is not anticipated to result in nonsense mediated decay, it likely alters RNA splicing and results in a disrupted protein product. This variant is present in population databases (rs747514399, gnomAD 0.02%). This variant has not been reported in the literature in individuals affected with CYP7B1-related conditions. Variants that disrupt the consensus splice site are a relatively common cause of aberrant splicing (PMID: 17576681, 9536098). Algorithms developed to predict the effect of sequence changes on RNA splicing suggest that this variant may disrupt the consensus splice site. This variant disrupts a region of the CYP7B1 protein in which other variant(s) (p.Leu487Phefs*11) have been determined to be pathogenic (PMID: 23812641, 26374131). This suggests that this is a clinically significant region of the protein, and that variants that disrupt it are likely to be disease-causing. For these reasons, this variant has been classified as Pathogenic.

Literature cited by the submitters: PubMed 17576681 (cited by Labcorp Genetics (formerly Invitae), Labcorp); PubMed 9536098 (cited by Labcorp Genetics (formerly Invitae), Labcorp); PubMed 23812641 (cited by Labcorp Genetics (formerly Invitae), Labcorp); PubMed 26374131 (cited by Labcorp Genetics (formerly Invitae), Labcorp).